The following is an entry in ClinVar:

NM_000360.4(TH):c.1104+4G>A

Gene: TH (tyrosine hydroxylase; minus strand). Cytogenetic location: 11p15.5.
Variant type: single nucleotide variant.
Coding change: c.1104+4G>A on transcript NM_000360.4 (MANE Select); 4 bases into the intron after coding-DNA position 1104, G replaced by A.
Molecular consequence: intron variant.
Genome position (GRCh38, 1-based): chr11:2,165,998, C>T on the plus strand (G>A on the coding strand, the complement: TH is on the minus strand). VCF-style: chr11-2165998-C-T. GRCh37 (hg19) VCF-style: chr11-2187228-C-T.
Other names: c.1185+4G>A (NM_199293.3); c.1197+4G>A (NM_199292.3).
Identifiers: ClinVar variation 2138593 (VCV002138593.1), dbSNP rs747560095, ClinGen allele CA5818389.
Genomic context (GRCh38, chr11:2,165,998, plus strand): 5'-GGTGAGGCCTGGATTCAGACCCCCAAACCCACACCCCAGGCCCTGCAGGGAGGGGTCAAC[C>T]CACCGTGGACAGCTTCTCAATTTCCTCATCCGAGGCCCCCAGGGACGCCAGGCCAATGTC-3'

ClinVar aggregate classification (germline): Uncertain significance (1 of 4 stars; one submission).

Conditions:
TH-deficient dopa-responsive dystonia. Also called: Tyrosine Hydroxylase-Deficient Dopa-Responsive Dystonia; Segawa syndrome, autosomal recessive; DYT-TH. Identifiers: Orphanet 101150, MedGen C2673535, MONDO:0011551, OMIM 605407.

gnomAD v4.1: 16 of 1,561,110 alleles (0.001%); highest among the groups gnomAD compares: Middle Eastern, 0.017%; no homozygotes.

Submission:

Labcorp Genetics (formerly Invitae), Labcorp
Classification: Uncertain significance for TH-deficient dopa-responsive dystonia. Last evaluated: 2022-07-23. Review status: criteria provided, single submitter. Criteria: Invitae Variant Classification Sherloc (09022015). Collection method: clinical testing. Allele origin: germline.
Comment: This sequence change falls in intron 11 of the TH gene. It does not directly change the encoded amino acid sequence of the TH protein. It affects a nucleotide within the consensus splice site. This variant is present in population databases (rs747560095, gnomAD 0.02%). This variant has not been reported in the literature in individuals affected with TH-related conditions. Variants that disrupt the consensus splice site are a relatively common cause of aberrant splicing (PMID: 17576681, 9536098). Algorithms developed to predict the effect of sequence changes on RNA splicing suggest that this variant is not likely to affect RNA splicing. In summary, the available evidence is currently insufficient to determine the role of this variant in disease. Therefore, it has been classified as a Variant of Uncertain Significance.

Literature cited by the submitters: PubMed 17576681; PubMed 9536098.